The following is an entry in ClinVar:

NM_001042492.3(NF1):c.1261-199T>G

Gene: NF1 (neurofibromin 1; plus strand). Cytogenetic location: 17q11.2.
Variant type: single nucleotide variant.
Coding change: c.1261-199T>G on transcript NM_001042492.3 (MANE Select); 199 bases into the intron before coding-DNA position 1261, T replaced by G.
Molecular consequence: intron variant.
Genome position (GRCh38, 1-based): chr17:31,206,041, T>G. VCF-style: chr17-31206041-T-G. GRCh37 (hg19) VCF-style: chr17-29533059-T-G.
Other names: c.1261-199T>G (NM_000267.4, NM_001128147.3).
Identifiers: ClinVar variation 4538200 (VCV004538200.1).
Genomic context (GRCh38, chr17:31,206,041, plus strand): 5'-AAAAGATGTCTCACATGCACATGCTCATAAAGTGGGCAATTTGTCTCATGCTCACTATTA[T>G]GTTTTATAATATAATATGTATGAGTTAGTGTTTGAATTAAAGACGTTGTTTGAAGACTTT-3'

ClinVar aggregate classification (germline): Uncertain significance (1 of 4 stars; one submission).

gnomAD v4.1: 2 of 152,166 alleles (0.0013%); highest among the groups gnomAD compares: Non-Finnish European, 0.0029%; no homozygotes.

Submission:

Greenwood Genetic Center Diagnostic Laboratories, Greenwood Genetic Center
Classification: Uncertain significance. Last evaluated: 2025-04-30. Review status: criteria provided, single submitter. Criteria: ACMG Guidelines, 2015. Collection method: clinical testing. Allele origin: germline. Affected: yes.
Comment: PM2, PP3